The following is an entry in ClinVar:

NM_022455.5(NSD1):c.2097dup (p.Gln700fs)

Gene: NSD1 (nuclear receptor binding SET domain protein 1; plus strand). Cytogenetic location: 5q35.3.
Variant type: Duplication.
Coding change: c.2097dup on transcript NM_022455.5 (MANE Select); coding-DNA position 2097, one base duplicated (A; older notation c.2097dupA).
Protein change: p.Gln700fs; shifts the reading frame from glutamine 700.
Molecular consequence: frameshift variant.
Genome position (GRCh38, 1-based): chr5:177,210,496, A duplicated; the last of 4 consecutive A bases (chr5:177,210,493-177,210,496); duplicating any one gives the same sequence. VCF-style (leftmost placement, unchanged base first): chr5-177210492-C-CA. GRCh37 (hg19) VCF-style: chr5-176637493-C-CA.
Other names: c.1224dup, p.Gln409Thrfs (NM_001365684.2, NM_001409306.1, NM_001409307.1 and 3 more transcripts); c.2097dup, p.Gln700Thrfs (NM_001409301.1, NM_001409302.1, NM_001409303.1); c.1677dup, p.Gln560Thrfs (NM_001409304.1); c.1344dup, p.Gln449Thrfs (NM_001409305.1); short protein forms Q700fs, Q431fs.
Identifiers: ClinVar variation 947143 (VCV000947143.8), dbSNP rs1763249718, ClinGen allele CA1139655891.
Genomic context (GRCh38, chr5:177,210,492, plus strand): 5'-TGCAGAAAAATGAAAAGATAAAGTATTCTAGGTTTGCTGCCACAAACACTAGGGTAAAAG[C>CA]AAAACAGAAGCCTCTCATTAGTAACTCACATACAGACCACTTAATGGGTTGTACTAAGAG-3'

ClinVar aggregate classification (germline): Pathogenic (1 of 4 stars; one submission).

Submission:

Labcorp Genetics (formerly Invitae), Labcorp
Classification: Pathogenic. Last evaluated: 2019-04-28. Review status: criteria provided, single submitter. Criteria: Invitae Variant Classification Sherloc (09022015). Collection method: clinical testing. Allele origin: germline.
Comment: For these reasons, this variant has been classified as Pathogenic. Loss-of-function variants in NSD1 are known to be pathogenic (PMID: 12464997, 14571271, 15942875, 16247291). This variant has not been reported in the literature in individuals with NSD1-related conditions. This variant is not present in population databases (ExAC no frequency). This sequence change creates a premature translational stop signal (p.Gln700Thrfs*6) in the NSD1 gene. It is expected to result in an absent or disrupted protein product.

Literature cited by the submitters: PubMed 12464997; PubMed 14571271; PubMed 15942875; PubMed 16247291.